The following is an entry in ClinVar:

NR_199791.1(RNU2-2):n.28C>G

Genes: RNU2-2 (RNA, U2 small nuclear 2; minus strand), WDR74 (WD repeat domain 74; minus strand). Cytogenetic location: 11q12.3.
Variant type: single nucleotide variant.
Molecular consequence: non-coding transcript variant (on NR_199791.1). On other transcripts: 5 prime UTR variant (1).
Genome position: GRCh38 VCF-style: chr11-62841782-G-C. GRCh37 (hg19) VCF-style: chr11-62609254-G-C.
Other names: c.-511C>G (NM_001369451.1).
Identifiers: ClinVar variation 4540468 (VCV004540468.1).
Genomic context (GRCh38, chr11:62,841,782, plus strand): 5'-TATTGTCCTCGGATAGAGGACGTATCAGATATTAAACTGATAAGAACAGATACTACACTT[G>C]ATCTTAGCCAAAAGGCCGAGAAGCGATACCTTTACTTCGGTCGCCTCGGCGGCCTTATCC-3'

ClinVar aggregate classification (germline): Likely pathogenic (1 of 4 stars; one submission).

Conditions:
RNU2-2 related disorder.

gnomAD v4.1: 9 of 152,116 alleles (0.0059%); highest among the groups gnomAD compares: Non-Finnish European, 0.0074%; no homozygotes.

Submission:

Institute for Human Genetics, University Hospital Essen
Classification: Likely pathogenic for RNU2-2 related disorder. Last evaluated: 2025-11-27. Review status: criteria provided, single submitter. Criteria: Submitter's publication. Collection method: clinical testing. Allele origin: inherited. Inheritance: Autosomal recessive inheritance. Affected: yes. Observed: 3 variant alleles, 3 compound heterozygotes.
Comment: PS4_supp, PM1, PM3, PP1_mod (criteria rationale detailed in Leitão et al. Nature Genetics 2026)